The following is an entry in ClinVar:

ClinVar aggregate classification (germline): Conflicting classifications of pathogenicity. Review status: criteria provided, conflicting classifications (1 of 4 stars). 4 submissions from 4 submitters: Uncertain significance (1); Likely benign (2). 1 of the submissions does not count toward it. Last evaluated 2025-11-18.

Conditions:
DST-related disorder. Also called: DST-related condition; DST-related disorders.
Hereditary sensory and autonomic neuropathy type 6. Also called: HSAN VI; Neuropathy, hereditary sensory and autonomic, type VI. Identifiers: Orphanet 314381, MedGen C3539003, MONDO:0013839, OMIM 614653.
Epidermolysis bullosa simplex 3, localized or generalized intermediate, with BP230 deficiency (EBS3). Also called: Epidermolysis bullosa simplex, autosomal recessive 2; Epidermolysis bullosa simplex due to BP230 deficiency. Identifiers: Orphanet 412181, MedGen C3809470, MONDO:0014180, OMIM 615425.

Allele frequency attached by ClinVar (database versions not stated): ExAC 0.00012; ESP Exome Variant Server 0.00008; gnomAD 0.00009; TOPMed 0.00010.
gnomAD v4.1: 134 of 1,613,436 alleles (0.0083%); highest among the groups gnomAD compares: Middle Eastern, 0.016%; no homozygotes.

Submissions (4):

Labcorp Genetics (formerly Invitae), Labcorp
Classification: Likely benign for Epidermolysis bullosa simplex 3, localized or generalized intermediate, with BP230 deficiency; Hereditary sensory and autonomic neuropathy type 6. Last evaluated: 2025-11-18. Review status: criteria provided, single submitter. Criteria: Invitae Variant Classification Sherloc (09022015). Collection method: clinical testing. Allele origin: germline.

Mayo Clinic Laboratories, Mayo Clinic
Classification: Likely benign. Last evaluated: 2025-09-30. Review status: criteria provided, single submitter. Criteria: ACMG Guidelines, 2015. Collection method: clinical testing. Allele origin: germline. Observed: 1 variant allele.
Comment: BS1, BP4_moderate

GeneDx
Classification: Uncertain significance. Last evaluated: 2018-01-11. Review status: criteria provided, single submitter. Criteria: GeneDx Variant Classification (06012015). Collection method: clinical testing. Allele origin: germline. Affected: yes.
Comment: The A5032S variant in the DST gene has not been reported previously as a pathogenic variant, nor as a benign variant, to our knowledge. The A5032S variant is observed in 30/9842 (0.3%) alleles from individuals of Ashkenazi Jewish background, and 37/ 246022 total alleles in large population cohorts and no individuals were reported to be homozygous (Lek et al., 2016). The A5032S variant is a semi-conservative amino acid substitution, which may impact secondary protein structure as these residues differ in some properties. In-silico analyses, including protein predictors and evolutionary conservation, support that this variant does not alter protein structure/function. We interpret A5032S as a variant of uncertain significance.

PreventionGenetics, part of Exact Sciences
Classification: Likely benign for DST-related condition. Last evaluated: 2023-08-16. Review status: no assertion criteria provided. Collection method: clinical testing. Allele origin: germline. Not counted in ClinVar's aggregate classification.
Comment: This variant is classified as likely benign based on ACMG/AMP sequence variant interpretation guidelines (Richards et al. 2015 PMID: 25741868, with internal and published modifications).

NM_001374736.1(DST):c.23035G>T (p.Ala7679Ser)

Gene: DST (dystonin; minus strand). Cytogenetic location: 6p12.1.
Variant type: single nucleotide variant.
Coding change: c.23035G>T on transcript NM_001374736.1 (MANE Select); coding-DNA position 23035, G replaced by T.
Protein change: p.Ala7679Ser; replaces alanine 7679 with serine.
Molecular consequence: missense variant. On other transcripts: intron variant (2).
Genome position (GRCh38, 1-based): chr6:56,463,081, C>A on the plus strand (G>T on the coding strand, the complement: DST is on the minus strand). VCF-style: chr6-56463081-C-A. GRCh37 (hg19) VCF-style: chr6-56327879-C-A.
Other names: p.Ala5032Ser; c.16606G>T, p.Ala5536Ser (NM_001144769.5); c.16192G>T, p.Ala5398Ser (NM_001144770.2); c.22963G>T, p.Ala7655Ser (NM_001374722.1); c.22990G>T, p.Ala7664Ser (NM_001374734.1); c.16054G>T, p.Ala5352Ser (NM_001386100.1); c.15094G>T, p.Ala5032Ser (NM_015548.5); c.16072G>T, p.Ala5358Ser (NM_183380.4); and 2 more; short protein forms A5032S, A5398S, A5536S, A5358S, A7679S, A7664S, A7655S, A5352S.
Identifiers: ClinVar variation 489327 (VCV000489327.15), dbSNP rs201138592, ClinGen allele CA3866063.